The following is an entry in ClinVar:

ClinVar aggregate classification (germline): Uncertain significance (1 of 4 stars; one submission).

Conditions:
RASopathy. Also called: Noonan spectrum disorder; rasopathies. Identifiers: Orphanet 536391, MedGen C5555857, MONDO:0021060.

Submission:

Labcorp Genetics (formerly Invitae), Labcorp
Classification: Uncertain significance for RASopathy. Last evaluated: 2025-04-14. Review status: criteria provided, single submitter. Criteria: Invitae Variant Classification Sherloc (09022015). Collection method: clinical testing. Allele origin: germline.
Comment: This variant, c.1699_1701dup, results in the insertion of 1 amino acid(s) of the CBL protein (p.Cys567dup), but otherwise preserves the integrity of the reading frame. This variant is not present in population databases (gnomAD no frequency). This variant has not been reported in the literature in individuals affected with CBL-related conditions. ClinVar contains an entry for this variant (Variation ID: 2104497). In summary, the available evidence is currently insufficient to determine the role of this variant in disease. Therefore, it has been classified as a Variant of Uncertain Significance.

NM_005188.4(CBL):c.1699_1701dup (p.Cys567_Thr568insCys)

Gene: CBL (Cbl proto-oncogene; plus strand). Cytogenetic location: 11q23.3.
Variant type: Duplication.
Coding change: c.1699_1701dup on transcript NM_005188.4 (MANE Select); coding-DNA positions 1699 to 1701, 3 bases duplicated (TGT; older notation c.1699_1701dupTGT).
Protein change: p.Cys567_Thr568insCys.
Molecular consequence: inframe insertion.
Genome position (GRCh38, 1-based): chr11:119,285,324-119,285,326, TGT duplicated; duplicating any 3 consecutive bases within chr11:119,285,323-119,285,326 gives the same sequence; the c. name uses the placement nearest the transcript's 3' end. VCF-style (leftmost placement, unchanged base first): chr11-119285322-C-CTTG. GRCh37 (hg19) VCF-style: chr11-119156032-C-CTTG.
Identifiers: ClinVar variation 2104497 (VCV002104497.4), dbSNP rs2496952632, ClinGen allele CA2580083730.